The following is an entry in ClinVar:

ClinVar aggregate classification (germline): Benign/Likely benign. Review status: criteria provided, multiple submitters, no conflicts (2 of 4 stars). 2 submissions from 2 submitters: Benign (1); Likely benign (1). Last evaluated 2023-08-03.

Conditions:
Melnick-Needles syndrome (MNS). Also called: MELNICK-NEEDLES OSTEODYSPLASTY; Melnick-Needles Syndrome (FLNA-MNS); OSTEODYSPLASTY OF MELNICK AND NEEDLES. Identifiers: Orphanet 2484, MedGen C0025237, MONDO:0010650, OMIM 309350.
Frontometaphyseal dysplasia (FMD1). Identifiers: Orphanet 1826, MedGen C0265293, MONDO:0015942.
Heterotopia, periventricular, X-linked dominant (PVNH1). Also called: PERIVENTRICULAR NODULAR HETEROTOPIA 4; HETEROTOPIA, PERIVENTRICULAR, 1; PERIVENTRICULAR NODULAR HETEROTOPIA 1; X-linked periventricular heterotopia. Identifiers: Orphanet 2149, Orphanet 82004, MedGen C1848213, MONDO:0010233, OMIM 300049.
Oto-palato-digital syndrome, type II (OPD2). Also called: Otopalatodigital Syndrome Type 2 (FLNA-OPD2); FACIOPALATOOSSEOUS SYNDROME; OPD II SYNDROME; Otopalatodigital Syndrome, Type II. Identifiers: Orphanet 669, Orphanet 90652, MedGen C1844696, MONDO:0010571, OMIM 304120.

Allele frequency attached by ClinVar (database versions not stated): TOPMed 0.00011; 1000 Genomes Project 30x 0.00021.

Submissions (2):

Labcorp Genetics (formerly Invitae), Labcorp
Classification: Benign for Oto-palato-digital syndrome, type II; Heterotopia, periventricular, X-linked dominant; Frontometaphyseal dysplasia; Melnick-Needles syndrome. Last evaluated: 2023-08-03. Review status: criteria provided, single submitter. Criteria: Invitae Variant Classification Sherloc (09022015). Collection method: clinical testing. Allele origin: germline.

GeneDx
Classification: Likely benign. Last evaluated: 2021-03-19. Review status: criteria provided, single submitter. Criteria: GeneDx Variant Classification Process June 2021. Collection method: clinical testing. Allele origin: germline. Affected: yes.
Comment: In silico analysis supports that this missense variant does not alter protein structure/function; Has not been previously published as pathogenic or benign to our knowledge

NM_001110556.2(FLNA):c.19C>T (p.Arg7Trp)

Gene: FLNA (filamin A; minus strand). Cytogenetic location: Xq28.
Variant type: single nucleotide variant.
Coding change: c.19C>T on transcript NM_001110556.2 (MANE Select); coding-DNA position 19, C replaced by T.
Protein change: p.Arg7Trp; replaces arginine 7 with tryptophan.
Molecular consequence: missense variant.
Genome position (GRCh38, 1-based): chrX:154,371,227, G>A on the plus strand (C>T on the coding strand, the complement: FLNA is on the minus strand). VCF-style: chrX-154371227-G-A. GRCh37 (hg19) VCF-style: chrX-153599595-G-A.
Other names: c.19C>T, p.Arg7Trp (NM_001456.4); short protein forms R7W.
Identifiers: ClinVar variation 533576 (VCV000533576.12), dbSNP rs941318584, ClinGen allele CA337285541.